The following is an entry in ClinVar:

ClinVar aggregate classification (germline): Uncertain significance. Review status: criteria provided, multiple submitters, no conflicts (2 of 4 stars). 2 submissions from 2 submitters: Uncertain significance (2). Last evaluated 2025-07-27.

Submissions (2):

Labcorp Genetics (formerly Invitae), Labcorp
Classification: Uncertain significance. Last evaluated: 2025-07-27. Review status: criteria provided, single submitter. Criteria: Invitae Variant Classification Sherloc (09022015). Collection method: clinical testing. Allele origin: germline.
Comment: This variant, c.3832_3834del, results in the deletion of 1 amino acid(s) of the POLE protein (p.Lys1278del), but otherwise preserves the integrity of the reading frame. This variant is present in population databases (rs771544067, gnomAD 0.003%). This variant has not been reported in the literature in individuals affected with POLE-related conditions. ClinVar contains an entry for this variant (Variation ID: 836819). Experimental studies and prediction algorithms are not available or were not evaluated, and the functional significance of this variant is currently unknown. In summary, the available evidence is currently insufficient to determine the role of this variant in disease. Therefore, it has been classified as a Variant of Uncertain Significance.

GeneDx
Classification: Uncertain significance. Last evaluated: 2023-01-26. Review status: criteria provided, single submitter. Criteria: GeneDx Variant Classification Process June 2021. Collection method: clinical testing. Allele origin: germline. Affected: yes.
Comment: Not observed at significant frequency in large population cohorts (gnomAD); In-frame deletion of 1 amino acid in a non-repeat region; In silico analysis supports a deleterious effect on protein structure/function; Has not been previously published as pathogenic or benign to our knowledge

NM_006231.4(POLE):c.3826AAG[2] (p.Lys1278del)

Gene: POLE (DNA polymerase epsilon, catalytic subunit; minus strand). Cytogenetic location: 12q24.33.
Variant type: Microsatellite.
Coding change: c.3826AAG[2] on transcript NM_006231.4 (MANE Select); two copies in a row of the 3-base unit AAG starting at c.3826; the reference has three copies in a row; one copy, 3 bases deleted; also written c.3832_3834del.
Protein change: p.Lys1278del; deletes lysine 1278.
Molecular consequence: inframe deletion.
Genome position (GRCh38, 1-based): chr12:132,649,477-132,649,479, CTT deleted on the plus strand (AAG on the coding strand, the reverse complement: POLE is on the minus strand); deleting any 3 consecutive bases within chr12:132,649,477-132,649,485 gives the same sequence; the position shown is the placement nearest the transcript's 3' end. VCF-style (leftmost placement, unchanged base first): chr12-132649476-ACTT-A. GRCh37 (hg19) VCF-style: chr12-133226062-ACTT-A.
Other names: c.3832_3834del (NM_006231.2); short protein forms K1278del.
Identifiers: ClinVar variation 836819 (VCV000836819.8), dbSNP rs771544067, ClinGen allele CA6893078.